The following is an entry in ClinVar:

ClinVar aggregate classification (germline): Uncertain significance. Review status: criteria provided, multiple submitters, no conflicts (2 of 4 stars). 2 submissions from 2 submitters: Uncertain significance (2). Last evaluated 2025-10-14.

Conditions:
Inborn genetic diseases. Identifiers: MedGen C0950123, MeSH D030342.
Chédiak-Higashi syndrome (CHS). Also called: Chediak-Higashi Syndrome. Identifiers: Orphanet 167, MedGen C0007965, MONDO:0008963, OMIM 214500.

Allele frequency attached by ClinVar (database versions not stated): gnomAD exomes below 0.00001; TOPMed below 0.00001.
gnomAD v4.1: 1 of 1,613,514 alleles (0.000062%); highest among the groups gnomAD compares: Non-Finnish European, 0.000085%; no homozygotes.

Submissions (2):

Ambry Genetics
Classification: Uncertain significance for Inborn genetic diseases. Last evaluated: 2025-10-14. Review status: criteria provided, single submitter. Criteria: Ambry Variant Classification Scheme 2023. Collection method: clinical testing. Allele origin: germline.

Labcorp Genetics (formerly Invitae), Labcorp
Classification: Uncertain significance for Chédiak-Higashi syndrome. Last evaluated: 2022-09-01. Review status: criteria provided, single submitter. Criteria: Invitae Variant Classification Sherloc (09022015). Collection method: clinical testing. Allele origin: germline.
Comment: This sequence change replaces tyrosine, which is neutral and polar, with phenylalanine, which is neutral and non-polar, at codon 3767 of the LYST protein (p.Tyr3767Phe). This variant is present in population databases (no rsID available, gnomAD 0.0009%). This variant has not been reported in the literature in individuals affected with LYST-related conditions. ClinVar contains an entry for this variant (Variation ID: 836271). Algorithms developed to predict the effect of missense changes on protein structure and function (SIFT, PolyPhen-2, Align-GVGD) all suggest that this variant is likely to be tolerated. Algorithms developed to predict the effect of sequence changes on RNA splicing suggest that this variant may create or strengthen a splice site. In summary, the available evidence is currently insufficient to determine the role of this variant in disease. Therefore, it has been classified as a Variant of Uncertain Significance.

NM_000081.4(LYST):c.11300A>T (p.Tyr3767Phe)

Gene: LYST (lysosomal trafficking regulator; minus strand). Cytogenetic location: 1q42.3.
Variant type: single nucleotide variant.
Coding change: c.11300A>T on transcript NM_000081.4 (MANE Select); coding-DNA position 11300, A replaced by T.
Protein change: p.Tyr3767Phe; replaces tyrosine 3767 with phenylalanine.
Molecular consequence: missense variant.
Genome position (GRCh38, 1-based): chr1:235,663,046, T>A on the plus strand (A>T on the coding strand, the complement: LYST is on the minus strand). VCF-style: chr1-235663046-T-A. GRCh37 (hg19) VCF-style: chr1-235826346-T-A.
Other names: c.11300A>T, p.Tyr3767Phe (NM_001301365.1); c.11300A>T (NM_000081.2); short protein forms Y3767F.
Identifiers: ClinVar variation 836271 (VCV000836271.5), dbSNP rs942518406, ClinGen allele CA39753836.